The following is an entry in ClinVar:

ClinVar aggregate classification (germline): Uncertain significance (1 of 4 stars; one submission).

Conditions:
Familial intrahepatic cholestasis. Identifiers: Orphanet 284385, MedGen CN296401, MONDO:0017290.

Submission:

Genomenon, Inc
Classification: Uncertain significance for Familial intrahepatic cholestasis. Last evaluated: 2026-04-14. Review status: criteria provided, single submitter. Criteria: Genomenon Sequence Variant Interpretation Standards - Updated. Collection method: curation. Allele origin: germline. Affected: yes.
Comment: ABCB11 p.Leu827Ile (c.2479C>A) is a missense variant that changes the amino acid at residue 827 from Leucine to Isoleucine. This variant has been observed in at least one proband with an ABCB11-related disorder (PMID:18692205). It is absent or not present at a significant frequency in gnomAD. In silico models predict that this variant is possibly or probably damaging. In conclusion, we classify ABCB11 p.Leu827Ile (c.2479C>A) as a variant of uncertain significance.

Literature cited by the submitters: PubMed 18692205.

NM_003742.4(ABCB11):c.2479C>A (p.Leu827Ile)

Gene: ABCB11 (ATP binding cassette subfamily B member 11; minus strand). Cytogenetic location: 2q31.1.
Variant type: single nucleotide variant.
Coding change: c.2479C>A on transcript NM_003742.4 (MANE Select); coding-DNA position 2479, C replaced by A.
Protein change: p.Leu827Ile; replaces leucine 827 with isoleucine.
Molecular consequence: missense variant.
Genome position (GRCh38, 1-based): chr2:168,944,736, G>T on the plus strand (C>A on the coding strand, the complement: ABCB11 is on the minus strand). VCF-style: chr2-168944736-G-T. GRCh37 (hg19) VCF-style: chr2-169801246-G-T.
Other names: short protein forms L827I.
Identifiers: ClinVar variation 4846094 (VCV004846094.1).